The following is an entry in ClinVar:

NM_001330078.2(NRXN1):c.2164G>A (p.Asp722Asn)

Gene: NRXN1 (neurexin 1; minus strand). Cytogenetic location: 2p16.3.
Variant type: single nucleotide variant.
Coding change: c.2164G>A on transcript NM_001330078.2 (MANE Select); coding-DNA position 2164, G replaced by A.
Protein change: p.Asp722Asn; replaces aspartic acid 722 with asparagine.
Molecular consequence: missense variant.
Genome position (GRCh38, 1-based): chr2:50,531,410, C>T on the plus strand (G>A on the coding strand, the complement: NRXN1 is on the minus strand). VCF-style: chr2-50531410-C-T. GRCh37 (hg19) VCF-style: chr2-50758548-C-T.
Other names: c.2125G>A, p.Asp709Asn (NM_001330083.2, NM_001330084.2); c.2164G>A, p.Asp722Asn (NM_001330085.2, NM_001330086.2, NM_004801.6); c.2080G>A, p.Asp694Asn (NM_001330087.2, NM_001330096.2); c.2110G>A, p.Asp704Asn (NM_001330088.2); c.2161G>A, p.Asp721Asn (NM_001330093.2); c.2152G>A, p.Asp718Asn (NM_001330094.2); c.2140G>A, p.Asp714Asn (NM_001330095.2, NM_001330077.2, NM_001330082.2); c.2284G>A, p.Asp762Asn (NM_001135659.3); short protein forms D714N, D718N, D694N, D721N, D704N, D762N, D709N, D722N.
Identifiers: ClinVar variation 3638325 (VCV003638325.2).

ClinVar aggregate classification (germline): Uncertain significance (1 of 4 stars; one submission).

Conditions:
Pitt-Hopkins-like syndrome 2 (PTHSL2). Identifiers: Orphanet 221150, Orphanet 600663, MedGen C3280479, MONDO:0013690, OMIM 614325.

Submission:

Labcorp Genetics (formerly Invitae), Labcorp
Classification: Uncertain significance for Pitt-Hopkins-like syndrome 2. Last evaluated: 2024-02-02. Review status: criteria provided, single submitter. Criteria: Invitae Variant Classification Sherloc (09022015). Collection method: clinical testing. Allele origin: germline.
Comment: This sequence change replaces aspartic acid, which is acidic and polar, with asparagine, which is neutral and polar, at codon 762 of the NRXN1 protein (p.Asp762Asn). This variant is not present in population databases (gnomAD no frequency). This variant has not been reported in the literature in individuals affected with NRXN1-related conditions. An algorithm developed to predict the effect of missense changes on protein structure and function (PolyPhen-2) suggests that this variant is likely to be disruptive. In summary, the available evidence is currently insufficient to determine the role of this variant in disease. Therefore, it has been classified as a Variant of Uncertain Significance.